The following is an entry in ClinVar:

ClinVar aggregate classification (germline): Conflicting classifications of pathogenicity. Review status: criteria provided, conflicting classifications (1 of 4 stars). 2 submissions from 2 submitters: Likely pathogenic (1); Uncertain significance (1). Last evaluated 2024-11-08.

Conditions:
Hypertrophic cardiomyopathy. Also called: HYPERTROPHIC MYOCARDIOPATHY. Identifiers: Orphanet 217569, MedGen C0007194, MeSH D002312, MONDO:0005045, HP:0001639.
Hypertrophic cardiomyopathy 1 (CMH1). Also called: MYH7-Related Familial Hypertrophic Cardiomyopathy; Familial hypertrophic cardiomyopathy 1. Identifiers: MedGen C3495498, MONDO:0008647, OMIM 192600.

Submissions (2):

Victorian Clinical Genetics Services, Murdoch Childrens Research Institute
Classification: Likely pathogenic for Hypertrophic cardiomyopathy 1. Last evaluated: 2024-11-08. Review status: criteria provided, single submitter. Criteria: ACMG Guidelines, 2015. Collection method: clinical testing. Allele origin: germline. Affected: yes.
Comment: This variant is classified as Likely pathogenic. Evidence in support of pathogenic classification: Variant is absent from gnomAD (v2, v3 and v4); Other missense variants comparable to the one identified in this case have strong previous evidence for pathogenicity. These alternative changes (p.(Ala797Thr), p.(Ala797Pro)) have been reported many times as pathogenic and likely pathogenic, and have been observed in individuals with hypertrophic cardiomyopathy (ClinVar, LOVD, VCGS, PMID: 17125710, PMID: 28408708, PMID: 27532257); Variant is located in a hotspot region or cluster of pathogenic variants. This variant is found within the head region, which is enriched with pathogenic missense variants (PMID: 29300372). Evidence in support of benign classification: Missense variant consistently predicted to be tolerated in silico tool or not conserved in placental mammals with a minor amino acid change. Additional information: Variant is predicted to result in a missense amino acid change from alanine to valine; This variant is heterozygous; This gene is associated with both recessive and dominant disease. Pathogenic variants in this gene are usually heterozygous, however a recessive inheritance pattern has been observed in severe cases (OMIM); Multiple alternative amino acid changes at the same position have been observed in gnomAD (v4) (highest allele count: 46 heterozygotes, 0 homozygotes); Previous evidence of pathogenicity for this variant is inconclusive. This variant has been classified once as VUS by a clinical laboratory (ClinVar); No published segregation evidence has been identified for this variant; No published functional evidence has been identified for this variant; The mechanism of disease for this gene is not clearly established, however, missense variants have been proposed to act in a dominant negative manner (PMID: 24714796); The condition associated with this gene has incomplete penetrance (PMID: 29300372); Inheritance information for this variant is not currently available in this individual.

Labcorp Genetics (formerly Invitae), Labcorp
Classification: Uncertain significance for Hypertrophic cardiomyopathy. Last evaluated: 2022-05-01. Review status: criteria provided, single submitter. Criteria: Invitae Variant Classification Sherloc (09022015). Collection method: clinical testing. Allele origin: germline.
Comment: Algorithms developed to predict the effect of missense changes on protein structure and function (SIFT, PolyPhen-2, Align-GVGD) all suggest that this variant is likely to be tolerated. This variant is found within a region of MYH7 between codons 181 and 937 that contains the majority of the myosin head domain. Missense variants in this region have been shown to be significantly overrepresented in individuals with hypertrophic cardiomyopathy (PMID: 27532257). In summary, the available evidence is currently insufficient to determine the role of this variant in disease. Therefore, it has been classified as a Variant of Uncertain Significance. This variant disrupts the p.Ala797 amino acid residue in MYH7. Other variant(s) that disrupt this residue have been determined to be pathogenic (PMID: 10521296, 17125710, 19880069, 22857948, 23233322, 24111713). This suggests that this residue is clinically significant, and that variants that disrupt this residue are likely to be disease-causing. This variant has not been reported in the literature in individuals affected with MYH7-related conditions. This variant is not present in population databases (gnomAD no frequency). This sequence change replaces alanine, which is neutral and non-polar, with valine, which is neutral and non-polar, at codon 797 of the MYH7 protein (p.Ala797Val).

Literature cited by the submitters: PubMed 28408708 (cited by Victorian Clinical Genetics Services, Murdoch Childrens Research Institute); PubMed 27532257 (cited by Victorian Clinical Genetics Services, Murdoch Childrens Research Institute and Labcorp Genetics (formerly Invitae), Labcorp); PubMed 24714796 (cited by Victorian Clinical Genetics Services, Murdoch Childrens Research Institute); PubMed 17125710 (cited by Victorian Clinical Genetics Services, Murdoch Childrens Research Institute and Labcorp Genetics (formerly Invitae), Labcorp); PubMed 29300372 (cited by Victorian Clinical Genetics Services, Murdoch Childrens Research Institute); PubMed 10521296 (cited by Labcorp Genetics (formerly Invitae), Labcorp); PubMed 19880069 (cited by Labcorp Genetics (formerly Invitae), Labcorp); PubMed 22857948 (cited by Labcorp Genetics (formerly Invitae), Labcorp); PubMed 23233322 (cited by Labcorp Genetics (formerly Invitae), Labcorp); PubMed 24111713 (cited by Labcorp Genetics (formerly Invitae), Labcorp).

NM_000257.4(MYH7):c.2390C>T (p.Ala797Val)

Genes: MYH7 (myosin heavy chain 7; minus strand), LOC126861898 (BRD4-independent group 4 enhancer GRCh37_chr14:23893609-23894808; plus strand). Cytogenetic location: 14q11.2.
Variant type: single nucleotide variant.
Coding change: c.2390C>T on transcript NM_000257.4 (MANE Select); coding-DNA position 2390, C replaced by T.
Protein change: p.Ala797Val; replaces alanine 797 with valine.
Molecular consequence: missense variant.
Genome position (GRCh38, 1-based): chr14:23,425,315, G>A on the plus strand (C>T on the coding strand, the complement: MYH7 is on the minus strand). VCF-style: chr14-23425315-G-A. GRCh37 (hg19) VCF-style: chr14-23894524-G-A.
Other names: c.2390C>T, p.Ala797Val (NM_001407004.1); short protein forms A797V.
Identifiers: ClinVar variation 2132571 (VCV002132571.7), dbSNP rs2502285709, ClinGen allele CA389048519.